The following is an entry in ClinVar:

ClinVar aggregate classification (germline): Uncertain significance (1 of 4 stars; one submission).

Conditions:
Rienhoff syndrome. Also called: LOEYS-DIETZ SYNDROME 5. Identifiers: MedGen C3810012, MONDO:0014262, OMIM 615582.

Allele frequency attached by ClinVar (database versions not stated): gnomAD exomes below 0.00001.
gnomAD v4.1: 5 of 1,614,098 alleles (0.00031%); highest among the groups gnomAD compares: East Asian, 0.0022%; no homozygotes.

Submission:

Labcorp Genetics (formerly Invitae), Labcorp
Classification: Uncertain significance for Rienhoff syndrome. Last evaluated: 2023-07-07. Review status: criteria provided, single submitter. Criteria: Invitae Variant Classification Sherloc (09022015). Collection method: clinical testing. Allele origin: germline.
Comment: This sequence change replaces methionine, which is neutral and non-polar, with threonine, which is neutral and polar, at codon 281 of the TGFB3 protein (p.Met281Thr). This variant is present in population databases (no rsID available, gnomAD 0.006%). In summary, the available evidence is currently insufficient to determine the role of this variant in disease. Therefore, it has been classified as a Variant of Uncertain Significance. This variant has not been reported in the literature in individuals affected with TGFB3-related conditions. ClinVar contains an entry for this variant (Variation ID: 1487584). Advanced modeling of protein sequence and biophysical properties (such as structural, functional, and spatial information, amino acid conservation, physicochemical variation, residue mobility, and thermodynamic stability) performed at Invitae indicates that this missense variant is not expected to disrupt TGFB3 protein function.

NM_003239.5(TGFB3):c.842T>C (p.Met281Thr)

Gene: TGFB3 (transforming growth factor beta 3; minus strand). Cytogenetic location: 14q24.3.
Variant type: single nucleotide variant.
Coding change: c.842T>C on transcript NM_003239.5 (MANE Select); coding-DNA position 842, T replaced by C.
Protein change: p.Met281Thr; replaces methionine 281 with threonine.
Molecular consequence: missense variant.
Genome position (GRCh38, 1-based): chr14:75,963,400, A>G on the plus strand (T>C on the coding strand, the complement: TGFB3 is on the minus strand). VCF-style: chr14-75963400-A-G. GRCh37 (hg19) VCF-style: chr14-76429743-A-G.
Other names: c.842T>C, p.Met281Thr (NM_001329938.2, NM_001329939.2); short protein forms M281T.
Identifiers: ClinVar variation 1487584 (VCV001487584.8), dbSNP rs1325349711, ClinGen allele CA390468421.